The following is an entry in ClinVar:

NM_001458.5(FLNC):c.3955T>C (p.Tyr1319His)

Gene: FLNC (filamin C; plus strand). Cytogenetic location: 7q32.1.
Variant type: single nucleotide variant.
Coding change: c.3955T>C on transcript NM_001458.5 (MANE Select); coding-DNA position 3955, T replaced by C.
Protein change: p.Tyr1319His; replaces tyrosine 1319 with histidine.
Molecular consequence: missense variant.
Genome position (GRCh38, 1-based): chr7:128,846,154, T>C. VCF-style: chr7-128846154-T-C. GRCh37 (hg19) VCF-style: chr7-128486208-T-C.
Other names: c.3955T>C, p.Tyr1319His (NM_001127487.2); short protein forms Y1319H.
Identifiers: ClinVar variation 3907836 (VCV003907836.1).

ClinVar aggregate classification (germline): Uncertain significance (1 of 4 stars; one submission).

gnomAD v4.1: 3 of 1,613,520 alleles (0.00019%); highest among the groups gnomAD compares: Non-Finnish European, 0.00025%; no homozygotes.

Submission:

GeneDx
Classification: Uncertain significance. Last evaluated: 2024-12-22. Review status: criteria provided, single submitter. Criteria: GeneDx Variant Classification Process June 2021. Collection method: clinical testing. Allele origin: germline. Affected: yes.
Comment: Not observed at significant frequency in large population cohorts (gnomAD); In silico analysis supports that this missense variant has a deleterious effect on protein structure/function; Has not been previously published as pathogenic or benign to our knowledge